The following is an entry in ClinVar:

ClinVar aggregate classification (germline): Uncertain significance. Review status: criteria provided, multiple submitters, no conflicts (2 of 4 stars). 5 submissions from 5 submitters: Uncertain significance (4). 1 of the submissions does not count toward it. Last evaluated 2024-08-29.

Conditions:
Retinal dystrophy. Also called: Inherited retinal dystrophy. Identifiers: Orphanet 71862, MedGen C0854723, MeSH D058499, MONDO:0019118, HP:0000556.
Retinitis pigmentosa (RP). Identifiers: Orphanet 791, MedGen C0035334, MeSH D012174, MONDO:0019200, OMIM 268000. Inheritance: Autosomal dominant, autosomal recessive and X linked inheritance.

Allele frequency attached by ClinVar (database versions not stated): gnomAD exomes 0.00002 and 0.00005; ExAC 0.00003; gnomAD 0.00003; TOPMed 0.00003.
gnomAD v4.1: 34 of 1,613,926 alleles (0.0021%); highest among the groups gnomAD compares: East Asian, 0.058%; no homozygotes.

Submissions (5):

Blueprint Genetics
Classification: Uncertain significance. Last evaluated: 2024-08-29. Review status: criteria provided, single submitter. Criteria: ACMG Guidelines, 2015. Collection method: clinical testing. Allele origin: germline.

Dept Of Ophthalmology, Nagoya University
Classification: Uncertain significance for Retinal dystrophy. Last evaluated: 2023-10-01. Review status: criteria provided, single submitter. Criteria: Submitter's publication. Collection method: research. Allele origin: germline. Affected: yes.

Labcorp Genetics (formerly Invitae), Labcorp
Classification: Uncertain significance. Last evaluated: 2023-09-05. Review status: criteria provided, single submitter. Criteria: Invitae Variant Classification Sherloc (09022015). Collection method: clinical testing. Allele origin: germline.
Comment: This sequence change replaces proline, which is neutral and non-polar, with serine, which is neutral and polar, at codon 481 of the MERTK protein (p.Pro481Ser). This variant is present in population databases (rs781442827, gnomAD 0.06%). This missense change has been observed in individual(s) with retinitis pigmentosa (PMID: 24938718). ClinVar contains an entry for this variant (Variation ID: 330757). Advanced modeling of protein sequence and biophysical properties (such as structural, functional, and spatial information, amino acid conservation, physicochemical variation, residue mobility, and thermodynamic stability) performed at Invitae indicates that this missense variant is not expected to disrupt MERTK protein function. In summary, the available evidence is currently insufficient to determine the role of this variant in disease. Therefore, it has been classified as a Variant of Uncertain Significance.

Illumina Laboratory Services, Illumina
Classification: Uncertain significance for Retinitis pigmentosa. Last evaluated: 2018-01-13. Review status: criteria provided, single submitter. Criteria: ICSL Variant Classification Criteria 13 December 2019. Collection method: clinical testing. Allele origin: germline.

Institute of Human Genetics, Univ. Regensburg, Univ. Regensburg
Classification: Uncertain significance for Retinal dystrophy. Last evaluated: 2018-01-01. Review status: no assertion criteria provided. Criteria: ACMG Guidelines, 2015. Collection method: clinical testing. Allele origin: germline. Affected: yes. Not counted in ClinVar's aggregate classification.

Literature cited by the submitters: PubMed 24938718 (cited by Labcorp Genetics (formerly Invitae), Labcorp).

NM_006343.3(MERTK):c.1441C>T (p.Pro481Ser)

Gene: MERTK (MER proto-oncogene, tyrosine kinase; plus strand). Cytogenetic location: 2q13.
Variant type: single nucleotide variant.
Coding change: c.1441C>T on transcript NM_006343.3 (MANE Select); coding-DNA position 1441, C replaced by T.
Protein change: p.Pro481Ser; replaces proline 481 with serine.
Molecular consequence: missense variant.
Genome position (GRCh38, 1-based): chr2:111,994,395, C>T. VCF-style: chr2-111994395-C-T. GRCh37 (hg19) VCF-style: chr2-112751972-C-T.
Other names: short protein forms P481S.
Identifiers: ClinVar variation 330757 (VCV000330757.15), dbSNP rs781442827, ClinGen allele CA1831385.